The following is an entry in ClinVar:

ClinVar aggregate classification (germline): Pathogenic (1 of 4 stars; one submission).

Conditions:
Nephronophthisis 15 (NPHP15). Identifiers: Orphanet 3156, MedGen C3541853, MONDO:0013917, OMIM 614845.

Submission:

Labcorp Genetics (formerly Invitae), Labcorp
Classification: Pathogenic for Nephronophthisis 15. Last evaluated: 2023-06-03. Review status: criteria provided, single submitter. Criteria: Invitae Variant Classification Sherloc (09022015). Collection method: clinical testing. Allele origin: germline.
Comment: This sequence change creates a premature translational stop signal (p.Tyr828Metfs*27) in the CEP164 gene. It is expected to result in an absent or disrupted protein product. Loss-of-function variants in CEP164 are known to be pathogenic (PMID: 22863007, 28125082, 32367404, 34132027, 34499853). This variant is not present in population databases (gnomAD no frequency). This variant has not been reported in the literature in individuals affected with CEP164-related conditions. For these reasons, this variant has been classified as Pathogenic.

Literature cited by the submitters: PubMed 22863007; PubMed 28125082; PubMed 32367404; PubMed 34132027; PubMed 34499853.

NM_014956.5(CEP164):c.2481del (p.Tyr828fs)

Gene: CEP164 (centrosomal protein 164; plus strand). Cytogenetic location: 11q23.3.
Variant type: Deletion.
Coding change: c.2481del on transcript NM_014956.5 (MANE Select); coding-DNA position 2481, one base deleted (G; older notation c.2481delG).
Protein change: p.Tyr828fs; shifts the reading frame from tyrosine 828.
Molecular consequence: frameshift variant.
Genome position (GRCh38, 1-based): chr11:117,392,615, G deleted; the last of 3 consecutive G bases (chr11:117,392,613-117,392,615); deleting any one gives the same sequence. VCF-style (leftmost placement, unchanged base first): chr11-117392612-TG-T. GRCh37 (hg19) VCF-style: chr11-117263328-TG-T.
Other names: c.2490del, p.Tyr831fs (NM_001271933.2); short protein forms Y828fs, Y831fs.
Identifiers: ClinVar variation 2760712 (VCV002760712.3), dbSNP rs2541944514, ClinGen allele CA2697558968.